The following is an entry in ClinVar:

NM_152564.5(VPS13B):c.5850G>A (p.Val1950=)

Gene: VPS13B (vacuolar protein sorting 13 homolog B; plus strand). Cytogenetic location: 8q22.2.
Variant type: single nucleotide variant.
Coding change: c.5850G>A on transcript NM_152564.5 (MANE Select); coding-DNA position 5850, G replaced by A.
Protein change: p.Val1950=; no amino-acid change (valine 1950 retained).
Molecular consequence: synonymous variant.
Genome position (GRCh38, 1-based): chr8:99,642,440, G>A. VCF-style: chr8-99642440-G-A. GRCh37 (hg19) VCF-style: chr8-100654668-G-A.
Other names: c.5925G>A, p.Val1975= (NM_017890.5); c.5850G>A (NM_152564.4).
Identifiers: ClinVar variation 1549477 (VCV001549477.10), dbSNP rs747547095, ClinGen allele CA4823882.

ClinVar aggregate classification (germline): Likely benign. Review status: criteria provided, multiple submitters, no conflicts (2 of 4 stars). 3 submissions from 3 submitters: Likely benign (2). 1 of the submissions does not count toward it. Last evaluated 2025-06-27.

Conditions:
Cohen syndrome (COH1). Also called: Cutis verticis gyrata, retinitis pigmentosa, and sensorineural deafness; PEPPER SYNDROME. Identifiers: Orphanet 193, MedGen C0265223, MONDO:0008999, OMIM 216550.
VPS13B-related disorder. Also called: VPS13B-related condition.

Allele frequency attached by ClinVar (database versions not stated): TOPMed below 0.00001; gnomAD exomes 0.00001; ExAC 0.00002; gnomAD 0.00002.
gnomAD v4.1: 13 of 1,613,880 alleles (0.00081%); highest among the groups gnomAD compares: African/African-American, 0.0013%; no homozygotes.

Submissions (3):

Labcorp Genetics (formerly Invitae), Labcorp
Classification: Likely benign for Cohen syndrome. Last evaluated: 2025-06-27. Review status: criteria provided, single submitter. Criteria: Invitae Variant Classification Sherloc (09022015). Collection method: clinical testing. Allele origin: germline.

Blueprint Genetics
Classification: Likely benign. Last evaluated: 2022-01-17. Review status: criteria provided, single submitter. Criteria: ACMG Guidelines, 2015. Collection method: clinical testing. Allele origin: germline.

PreventionGenetics, part of Exact Sciences
Classification: Likely benign for VPS13B-related condition. Last evaluated: 2024-05-02. Review status: no assertion criteria provided. Collection method: clinical testing. Allele origin: germline. Not counted in ClinVar's aggregate classification.
Comment: This variant is classified as likely benign based on ACMG/AMP sequence variant interpretation guidelines (Richards et al. 2015 PMID: 25741868, with internal and published modifications).